The following is an entry in ClinVar:

ClinVar aggregate classification (germline): Benign/Likely benign. Review status: criteria provided, multiple submitters, no conflicts (2 of 4 stars). 6 submissions from 6 submitters: Benign (5); Likely benign (1). Last evaluated 2026-02-01.

Conditions:
3-hydroxy-3-methylglutaryl-CoA synthase deficiency (HMGCS2D). Also called: MITOCHONDRIAL HMG-CoA SYNTHASE DEFICIENCY; HMG-CoA synthase-2 deficiency; HMGCS2 DEFICIENCY. Identifiers: Orphanet 35701, MedGen C2751532, MONDO:0011614, OMIM 605911.

Allele frequency attached by ClinVar (database versions not stated): gnomAD 0.00228 and 0.00346; TOPMed 0.00247; ESP Exome Variant Server 0.00284; gnomAD exomes 0.00511 and 0.00797; 1000 Genomes Project 30x 0.00734; 1000 Genomes Project 0.00779; ExAC 0.00881.

Submissions (6):

Labcorp Genetics (formerly Invitae), Labcorp
Classification: Benign for 3-hydroxy-3-methylglutaryl-CoA synthase deficiency. Last evaluated: 2026-02-01. Review status: criteria provided, single submitter. Criteria: Invitae Variant Classification Sherloc (09022015). Collection method: clinical testing. Allele origin: germline.

ARUP Laboratories, Molecular Genetics and Genomics, ARUP Laboratories
Classification: Benign for 3-hydroxy-3-methylglutaryl-CoA synthase deficiency. Last evaluated: 2023-10-26. Review status: criteria provided, single submitter. Criteria: ARUP Molecular Germline Variant Investigation Process 2024. Collection method: clinical testing. Allele origin: germline.

Fulgent Genetics
Classification: Likely benign for 3-hydroxy-3-methylglutaryl-CoA synthase deficiency. Last evaluated: 2021-07-20. Review status: criteria provided, single submitter. Criteria: ACMG Guidelines, 2015. Collection method: clinical testing. Allele origin: unknown.

Illumina Laboratory Services, Illumina
Classification: Benign for 3-hydroxy-3-methylglutaryl-CoA synthase deficiency. Last evaluated: 2018-01-12. Review status: criteria provided, single submitter. Criteria: ICSL Variant Classification Criteria 13 December 2019. Collection method: clinical testing. Allele origin: germline.
Comment: This variant was observed in the ICSL laboratory as part of a predisposition screen in an ostensibly healthy population. It had not been previously curated by ICSL or reported in the Human Gene Mutation Database (HGMD: prior to June 1st, 2018), and was therefore a candidate for classification through an automated scoring system. Utilizing variant allele frequency, disease prevalence and penetrance estimates, and inheritance mode, an automated score was calculated to assess if this variant is too frequent to cause the disease. Based on the score and internal cut-off values, a variant classified as benign is not then subjected to further curation. The score for this variant resulted in a classification of benign for this disease.

GeneDx
Classification: Benign. Last evaluated: 2015-06-18. Review status: criteria provided, single submitter. Criteria: GeneDx Variant Classification (06012015). Collection method: clinical testing. Allele origin: germline. Affected: yes.
Comment: This variant is considered likely benign or benign based on one or more of the following criteria: it is a conservative change, it occurs at a poorly conserved position in the protein, it is predicted to be benign by multiple in silico algorithms, and/or has population frequency not consistent with disease.

Breakthrough Genomics
Classification: Benign. Review status: criteria provided, single submitter. Criteria: ACMG Guidelines, 2015. Collection method: not provided. Allele origin: germline. Inheritance: Autosomal recessive inheritance. Affected: yes.

NM_005518.4(HMGCS2):c.1419G>A (p.Lys473=)

Gene: HMGCS2 (3-hydroxy-3-methylglutaryl-CoA synthase 2; minus strand). Cytogenetic location: 1p12.
Variant type: single nucleotide variant.
Coding change: c.1419G>A on transcript NM_005518.4 (MANE Select); coding-DNA position 1419, G replaced by A.
Protein change: p.Lys473=; no amino-acid change (lysine 473 retained).
Molecular consequence: synonymous variant.
Genome position (GRCh38, 1-based): chr1:119,752,550, C>T on the plus strand (G>A on the coding strand, the complement: HMGCS2 is on the minus strand). VCF-style: chr1-119752550-C-T. GRCh37 (hg19) VCF-style: chr1-120295173-C-T.
Other names: c.1293G>A, p.Lys431= (NM_001166107.1).
Identifiers: ClinVar variation 292330 (VCV000292330.23), dbSNP rs142776952, ClinGen allele CA1037560.